The following is an entry in ClinVar:

ClinVar aggregate classification (germline): Uncertain significance (1 of 4 stars; one submission).

Allele frequency attached by ClinVar (database versions not stated): ExAC 0.00001; 1000 Genomes Project 30x 0.00016.

Submission:

GeneDx
Classification: Uncertain significance. Last evaluated: 2022-08-08. Review status: criteria provided, single submitter. Criteria: GeneDx Variant Classification Process June 2021. Collection method: clinical testing. Allele origin: germline. Affected: yes.
Comment: In silico analysis supports that this missense variant does not alter protein structure/function; Has not been previously published as pathogenic or benign to our knowledge

NM_004793.4(LONP1):c.888C>G (p.Ile296Met)

Gene: LONP1 (lon peptidase 1, mitochondrial; minus strand). Cytogenetic location: 19p13.3.
Variant type: single nucleotide variant.
Coding change: c.888C>G on transcript NM_004793.4 (MANE Select); coding-DNA position 888, C replaced by G.
Protein change: p.Ile296Met; replaces isoleucine 296 with methionine.
Molecular consequence: missense variant. On other transcripts: non-coding transcript variant (1).
Genome position (GRCh38, 1-based): chr19:5,708,386, G>C on the plus strand (C>G on the coding strand, the complement: LONP1 is on the minus strand). VCF-style: chr19-5708386-G-C. GRCh37 (hg19) VCF-style: chr19-5708397-G-C.
Other names: c.696C>G, p.Ile232Met (NM_001276479.2); c.300C>G, p.Ile100Met (NM_001276480.1); short protein forms I100M, I232M, I296M.
Identifiers: ClinVar variation 1700987 (VCV001700987.2), dbSNP rs759362983, ClinGen allele CA9114920.
Genomic context (GRCh38, chr19:5,708,386, plus strand): 5'-CCGCACAGAGGCCCACCTGTAGAGAGGGTTCAAGGCAATGATGTCCCGGATGGTCTTCAC[G>C]ATCTCTGCAGTCAGGGCCTGCCAAGTATGGGGCAGGGTCGCTGGGGCCCAGCAGTGCTCC-3'
Protein context (NP_004784.2, residues 286-306): TEEVKALTAE[Ile296Met]VKTIRDIIAL